The following is an entry in ClinVar:

NM_002907.4(RECQL):c.1247T>C (p.Leu416Ser)

Gene: RECQL (RecQ like helicase; minus strand). Cytogenetic location: 12p12.1.
Variant type: single nucleotide variant.
Coding change: c.1247T>C on transcript NM_002907.4 (MANE Select); coding-DNA position 1247, T replaced by C.
Protein change: p.Leu416Ser; replaces leucine 416 with serine.
Molecular consequence: missense variant.
Genome position (GRCh38, 1-based): chr12:21,474,949, A>G on the plus strand (T>C on the coding strand, the complement: RECQL is on the minus strand). VCF-style: chr12-21474949-A-G. GRCh37 (hg19) VCF-style: chr12-21627883-A-G.
Other names: c.1247T>C, p.Leu416Ser (NM_032941.3); short protein forms L416S.
Identifiers: ClinVar variation 3944224 (VCV003944224.1).

ClinVar aggregate classification (germline): Uncertain significance (1 of 4 stars; one submission).

Submission:

Ambry Genetics
Classification: Uncertain significance. Last evaluated: 2025-05-31. Review status: criteria provided, single submitter. Criteria: Ambry Variant Classification Scheme 2023. Collection method: clinical testing. Allele origin: germline.
Comment: The p.L416S variant (also known as c.1247T>C), located in coding exon 10 of the RECQL gene, results from a T to C substitution at nucleotide position 1247. The leucine at codon 416 is replaced by serine, an amino acid with dissimilar properties. This amino acid position is conserved. In addition, this alteration is predicted to be deleterious by in silico analysis. Based on the available evidence, the clinical significance of this variant remains unclear.